The following is an entry in ClinVar:

NM_213599.3(ANO5):c.2648A>G (p.Lys883Arg)

Gene: ANO5 (anoctamin 5; plus strand). Cytogenetic location: 11p14.3.
Variant type: single nucleotide variant.
Coding change: c.2648A>G on transcript NM_213599.3 (MANE Select); coding-DNA position 2648, A replaced by G.
Protein change: p.Lys883Arg; replaces lysine 883 with arginine.
Molecular consequence: missense variant.
Genome position (GRCh38, 1-based): chr11:22,279,671, A>G. VCF-style: chr11-22279671-A-G. GRCh37 (hg19) VCF-style: chr11-22301217-A-G.
Other names: c.2645A>G, p.Lys882Arg (NM_001142649.2); c.2606A>G, p.Lys869Arg (NM_001410963.1); c.2603A>G, p.Lys868Arg (NM_001410964.1); short protein forms K868R, K869R, K882R, K883R.
Identifiers: ClinVar variation 2684312 (VCV002684312.1), dbSNP rs753960763, ClinGen allele CA5923633.

ClinVar aggregate classification (germline): Uncertain significance (1 of 4 stars; one submission).

Allele frequency attached by ClinVar (database versions not stated): gnomAD exomes below 0.00001; ExAC 0.00001; TOPMed 0.00001.
gnomAD v4.1: 3 of 1,612,952 alleles (0.00019%); highest among the groups gnomAD compares: Admixed American, 0.0017%; no homozygotes.

Submission:

Athena Diagnostics
Classification: Uncertain significance. Last evaluated: 2023-08-03. Review status: criteria provided, single submitter. Criteria: Athena Diagnostics Criteria. Collection method: clinical testing. Allele origin: unknown.
Comment: Available data are insufficient to determine the clinical significance of the variant at this time. The frequency of this variant in the general population is uninformative in assessment of its pathogenicity. Computational tools predict that this variant is not damaging.